The following is an entry in ClinVar:

ClinVar aggregate classification (germline): Likely pathogenic (0 of 4 stars; one submission).

Conditions:
OPLAH-related disorder. Also called: OPLAH-related condition.

Submission:

PreventionGenetics, part of Exact Sciences
Classification: Likely pathogenic for OPLAH-related condition. Last evaluated: 2024-09-27. Review status: no assertion criteria provided. Collection method: clinical testing. Allele origin: germline.
Comment: The OPLAH c.3795_3796insACCCCGCCCCACCGCCGGTGTCG variant is predicted to result in a frameshift and premature protein termination (p.Pro1266Thrfs*40). To our knowledge, this variant has not been reported in the literature or in a large population database, indicating this variant is rare. Frameshift variants in OPLAH are expected to be pathogenic. This variant is interpreted as likely pathogenic.

NM_017570.5(OPLAH):c.3795_3796insACCCCGCCCCACCGCCGGTGTCG (p.Pro1266fs)

Gene: OPLAH (5-oxoprolinase, ATP-hydrolysing; minus strand). Cytogenetic location: 8q24.3.
Variant type: Insertion.
Coding change: c.3795_3796insACCCCGCCCCACCGCCGGTGTCG on transcript NM_017570.5 (MANE Select); coding-DNA positions 3795 to 3796, ACCCCGCCCCACCGCCGGTGTCG inserted.
Protein change: p.Pro1266fs; shifts the reading frame from proline 1266.
Molecular consequence: frameshift variant.
Genome position: GRCh38 VCF-style: chr8-144051397-G-GCGACACCGGCGGTGGGGCGGGGT. GRCh37 (hg19) VCF-style: chr8-145106298-G-GCGACACCGGCGGTGGGGCGGGGT.
Other names: short protein forms P1266fs.
Identifiers: ClinVar variation 3355213 (VCV003355213.1).